The following is an entry in ClinVar:

ClinVar aggregate classification (germline): Uncertain significance (1 of 4 stars; one submission).

Conditions:
Neurofibromatosis, type 2 (SWNV). Also called: BILATERAL ACOUSTIC NEUROFIBROMATOSIS; NF2-Related Schwannomatosis; SCHWANNOMATOSIS, VESTIBULAR. Identifiers: Orphanet 637, MedGen C0027832, MONDO:0007039, OMIM 101000. Disease mechanism: loss of function.

Submission:

Labcorp Genetics (formerly Invitae), Labcorp
Classification: Uncertain significance for Neurofibromatosis, type 2. Last evaluated: 2026-01-18. Review status: criteria provided, single submitter. Criteria: Invitae Variant Classification Sherloc (09022015). Collection method: clinical testing. Allele origin: germline.
Comment: This sequence change replaces tryptophan, which is neutral and slightly polar, with cysteine, which is neutral and slightly polar, at codon 60 of the NF2 protein (p.Trp60Cys). This variant is not present in population databases (gnomAD no frequency). This variant has not been reported in the literature in individuals affected with NF2-related conditions. Invitae Evidence Modeling of protein sequence and biophysical properties (such as structural, functional, and spatial information, amino acid conservation, physicochemical variation, residue mobility, and thermodynamic stability) indicates that this missense variant is expected to disrupt NF2 protein function with a positive predictive value of 80%. Experimental studies have shown that this missense change affects NF2 function (PMID: 12118253, 29626191). In summary, the available evidence is currently insufficient to determine the role of this variant in disease. Therefore, it has been classified as a Variant of Uncertain Significance.

Literature cited by the submitters: PubMed 12118253; PubMed 29626191.

NM_000268.4(NF2):c.180G>T (p.Trp60Cys)

Gene: NF2 (NF2, moesin-ezrin-radixin like (MERLIN) tumor suppressor; plus strand). Cytogenetic location: 22q12.2.
Variant type: single nucleotide variant.
Coding change: c.180G>T on transcript NM_000268.4 (MANE Select); coding-DNA position 180, G replaced by T.
Protein change: p.Trp60Cys; replaces tryptophan 60 with cysteine.
Molecular consequence: missense variant. On other transcripts: 5 prime UTR variant (2), intron variant (6).
Genome position (GRCh38, 1-based): chr22:29,636,816, G>T. VCF-style: chr22-29636816-G-T. GRCh37 (hg19) VCF-style: chr22-30032805-G-T.
Other names: c.66G>T, p.Trp22Cys (NM_001407053.1, NM_001407056.1); c.180G>T, p.Trp60Cys (NM_001407054.1, NM_001407057.1, NM_001407058.1 and 9 more transcripts); c.-461G>T (NM_001407065.1); c.-77G>T (NM_001407067.1); c.115-2274G>T (NM_181828.3, NM_001407055.1); c.115-5386G>T (NM_001407063.1, NM_181830.3, NM_001407064.1 and 1 more transcripts); short protein forms W60C, W22C.
Identifiers: ClinVar variation 4744430 (VCV004744430.1).
Genomic context (GRCh38, chr22:29,636,816, plus strand): 5'-GTGGAAAGGGAAGGACCTCTTTGATTTGGTGTGCCGGACTCTGGGGCTCCGAGAAACCTG[G>T]TTCTTTGGACTGCAGTACACAATCAAGGACACAGTGGCCTGGCTCAAAATGGACAAGAAG-3'
Protein context (NP_000259.1, residues 50-70): VCRTLGLRET[Trp60Cys]FFGLQYTIKD